The following is an entry in ClinVar:

ClinVar aggregate classification (germline): Uncertain significance. Review status: criteria provided, multiple submitters, no conflicts (2 of 4 stars). 2 submissions from 2 submitters: Uncertain significance (2). Last evaluated 2024-08-05.

Conditions:
Inborn genetic diseases. Identifiers: MedGen C0950123, MeSH D030342.

Allele frequency attached by ClinVar (database versions not stated): gnomAD 0.00001; ExAC 0.00003; gnomAD exomes 0.00003; 1000 Genomes Project 30x 0.00016; 1000 Genomes Project 0.00020.
gnomAD v4.1: 8 of 1,563,086 alleles (0.00051%); highest among the groups gnomAD compares: East Asian, 0.0072%; no homozygotes.

Submissions (2):

Ambry Genetics
Classification: Uncertain significance for Inborn genetic diseases. Last evaluated: 2024-08-05. Review status: criteria provided, single submitter. Criteria: Ambry Variant Classification Scheme 2023. Collection method: clinical testing. Allele origin: germline.

Labcorp Genetics (formerly Invitae), Labcorp
Classification: Uncertain significance. Last evaluated: 2024-07-01. Review status: criteria provided, single submitter. Criteria: Invitae Variant Classification Sherloc (09022015). Collection method: clinical testing. Allele origin: germline.
Comment: This sequence change replaces aspartic acid, which is acidic and polar, with asparagine, which is neutral and polar, at codon 1164 of the ARHGEF18 protein (p.Asp1164Asn). This variant is present in population databases (rs574266652, gnomAD 0.03%). This variant has not been reported in the literature in individuals affected with ARHGEF18-related conditions. ClinVar contains an entry for this variant (Variation ID: 1345902). An algorithm developed to predict the effect of missense changes on protein structure and function (PolyPhen-2) suggests that this variant is likely to be tolerated. In summary, the available evidence is currently insufficient to determine the role of this variant in disease. Therefore, it has been classified as a Variant of Uncertain Significance.

NM_001367823.1(ARHGEF18):c.4054G>A (p.Asp1352Asn)

Gene: ARHGEF18 (Rho/Rac guanine nucleotide exchange factor 18; plus strand). Cytogenetic location: 19p13.2.
Variant type: single nucleotide variant.
Coding change: c.4054G>A on transcript NM_001367823.1 (MANE Select); coding-DNA position 4054, G replaced by A.
Protein change: p.Asp1352Asn; replaces aspartic acid 1352 with asparagine.
Molecular consequence: missense variant.
Genome position (GRCh38, 1-based): chr19:7,470,266, G>A. VCF-style: chr19-7470266-G-A. GRCh37 (hg19) VCF-style: chr19-7535152-G-A.
Other names: c.3328G>A, p.Asp1110Asn (NM_001130955.2); c.3016G>A, p.Asp1006Asn (NM_001367824.1, NM_015318.4); c.3490G>A (NM_001130955.1); short protein forms D1006N, D1352N, D1110N.
Identifiers: ClinVar variation 1345902 (VCV001345902.9), dbSNP rs574266652, ClinGen allele CA9137350.